The following is an entry in ClinVar:

ClinVar aggregate classification (germline): Uncertain significance (1 of 4 stars; one submission).

Submission:

Labcorp Genetics (formerly Invitae), Labcorp
Classification: Uncertain significance. Last evaluated: 2021-12-01. Review status: criteria provided, single submitter. Criteria: Invitae Variant Classification Sherloc (09022015). Collection method: clinical testing. Allele origin: germline.
Comment: This variant is not present in population databases (gnomAD no frequency). This sequence change replaces aspartic acid, which is acidic and polar, with glutamic acid, which is acidic and polar, at codon 148 of the OAS1 protein (p.Asp148Glu). This variant has not been reported in the literature in individuals affected with OAS1-related conditions. Algorithms developed to predict the effect of missense changes on protein structure and function are either unavailable or do not agree on the potential impact of this missense change (SIFT: "Not Available"; PolyPhen-2: "Probably Damaging"; Align-GVGD: "Not Available"). In summary, the available evidence is currently insufficient to determine the role of this variant in disease. Therefore, it has been classified as a Variant of Uncertain Significance.

NM_016816.4(OAS1):c.444T>A (p.Asp148Glu)

Gene: OAS1 (2'-5'-oligoadenylate synthetase 1; plus strand). Cytogenetic location: 12q24.13.
Variant type: single nucleotide variant.
Coding change: c.444T>A on transcript NM_016816.4 (MANE Select); coding-DNA position 444, T replaced by A.
Protein change: p.Asp148Glu; replaces aspartic acid 148 with glutamic acid.
Molecular consequence: missense variant.
Genome position (GRCh38, 1-based): chr12:112,908,799, T>A. VCF-style: chr12-112908799-T-A. GRCh37 (hg19) VCF-style: chr12-113346604-T-A.
Other names: c.444T>A, p.Asp148Glu (NM_001032409.3, NM_001320151.2, NM_002534.4); short protein forms D148E.
Identifiers: ClinVar variation 1476668 (VCV001476668.6), dbSNP rs2136296576, ClinGen allele CA386801054.